The following is an entry in ClinVar:

NM_000350.3(ABCA4):c.2616C>G (p.Tyr872Ter)

Gene: ABCA4 (ATP binding cassette subfamily A member 4; minus strand). Cytogenetic location: 1p22.1.
Variant type: single nucleotide variant.
Coding change: c.2616C>G on transcript NM_000350.3 (MANE Select); coding-DNA position 2616, C replaced by G.
Protein change: p.Tyr872Ter; replaces tyrosine 872 with a stop codon.
Molecular consequence: nonsense.
Genome position (GRCh38, 1-based): chr1:94,051,670, G>C on the plus strand (C>G on the coding strand, the complement: ABCA4 is on the minus strand). VCF-style: chr1-94051670-G-C. GRCh37 (hg19) VCF-style: chr1-94517226-G-C.
Other names: NM_000350.3(ABCA4):c.2616C>G; p.Tyr872Ter; c.2394C>G, p.Tyr798Ter (NM_001425324.1); short protein forms Y872*, Y798*.
Identifiers: ClinVar variation 2733935 (VCV002733935.3), dbSNP rs373086027, ClinGen allele CA341276149.

ClinVar aggregate classification (germline): Pathogenic. Review status: reviewed by expert panel (3 of 4 stars). 2 submissions from 2 submitters: Pathogenic (1). 1 of the submissions does not count toward it. Last evaluated 2025-12-05.

Conditions:
ABCA4-related retinopathy. Also called: ABCA4 retinoapthy; ABCA4-related retinoapthy. Identifiers: MedGen CN322612, MONDO:0800406.

Submissions (2):

ClinGen ABCA4 Variant Curation Expert Panel, Clingen
Classification: Pathogenic for ABCA4-related retinopathy. Last evaluated: 2025-12-05. Review status: reviewed by expert panel. Criteria: ClinGen ABCA4 ACMG Specifications V1.0.0. Collection method: curation. Allele origin: germline. Inheritance: Autosomal recessive inheritance.
Comment: The NM_000350.3:c.2616C>G (p.Tyr872Ter) variant in ABCA4 is a nonsense variant predicted to cause a premature stop codon in biologically relevant exon 17/50 leading to nonsense mediated decay in a gene in which loss-of-function is an established disease mechanism (PVS1). This variant is absent from gnomAD v4.1.0 (PM2_Supporting). The prevalence of the variant in affected individuals is significantly increased compared with the prevalence in controls and an OR of infinity and the CI is 2.24 to infinity, which is above the ABCA4 VCEP threshold of ≥5, where the CI does not contain 1 (PS4; PMID: 35120629). In summary, this variant meets the criteria to be classified as pathogenic for ABCA4-related retinopathy based on the ACMG/AMP criteria applied, as specified by the ClinGen ABCA4 VCEP (v1.0.0): PVS1, PS4, PM2_Supporting.

Labcorp Genetics (formerly Invitae), Labcorp
Classification: Pathogenic. Last evaluated: 2023-07-03. Review status: criteria provided, single submitter. Criteria: Invitae Variant Classification Sherloc (09022015). Collection method: clinical testing. Allele origin: germline. Not counted in ClinVar's aggregate classification.
Comment: For these reasons, this variant has been classified as Pathogenic. This premature translational stop signal has been observed in individual(s) with Stargardt disease (PMID: 25922843). This variant is not present in population databases (gnomAD no frequency). This sequence change creates a premature translational stop signal (p.Tyr872*) in the ABCA4 gene. It is expected to result in an absent or disrupted protein product. Loss-of-function variants in ABCA4 are known to be pathogenic (PMID: 10958761, 24938718, 25312043, 26780318).

Literature cited by the submitters: PubMed 25922843 (cited by Labcorp Genetics (formerly Invitae), Labcorp); PubMed 10958761 (cited by Labcorp Genetics (formerly Invitae), Labcorp); PubMed 24938718 (cited by Labcorp Genetics (formerly Invitae), Labcorp); PubMed 25312043 (cited by Labcorp Genetics (formerly Invitae), Labcorp); PubMed 26780318 (cited by Labcorp Genetics (formerly Invitae), Labcorp).